The following is an entry in ClinVar:

NM_014975.3(MAST1):c.4569A>C (p.Ala1523=)

Gene: MAST1 (microtubule associated serine/threonine kinase 1; plus strand). Cytogenetic location: 19p13.13.
Variant type: single nucleotide variant.
Coding change: c.4569A>C on transcript NM_014975.3 (MANE Select); coding-DNA position 4569, A replaced by C.
Protein change: p.Ala1523=; no amino-acid change (alanine 1523 retained).
Molecular consequence: synonymous variant.
Genome position (GRCh38, 1-based): chr19:12,874,726, A>C. VCF-style: chr19-12874726-A-C. GRCh37 (hg19) VCF-style: chr19-12985540-A-C.
Identifiers: ClinVar variation 2868492 (VCV002868492.4), dbSNP rs371283929, ClinGen allele CA9233601.

ClinVar aggregate classification (germline): Likely benign. Review status: criteria provided, multiple submitters, no conflicts (2 of 4 stars). 2 submissions from 2 submitters: Likely benign (2). Last evaluated 2026-09-01.

Allele frequency attached by ClinVar (database versions not stated): ExAC 0.00003; gnomAD 0.00005; TOPMed 0.00007; ESP Exome Variant Server 0.00015; gnomAD exomes 0.00015.
gnomAD v4.1: 229 of 1,598,378 alleles (0.014%); highest among the groups gnomAD compares: Non-Finnish European, 0.019%; no homozygotes.

Submissions (2):

CeGaT Center for Human Genetics Tuebingen
Classification: Likely benign. Last evaluated: 2026-09-01. Review status: criteria provided, single submitter. Criteria: CeGaT Center For Human Genetics Tuebingen Variant Classification Criteria Version 2. Collection method: clinical testing. Allele origin: germline. Affected: yes. Observed: 1 variant allele.
Comment: MAST1: BP4, BP7

Labcorp Genetics (formerly Invitae), Labcorp
Classification: Likely benign. Last evaluated: 2024-02-23. Review status: criteria provided, single submitter. Criteria: Invitae Variant Classification Sherloc (09022015). Collection method: clinical testing. Allele origin: germline.